The following is an entry in ClinVar:

NM_018429.3(BDP1):c.3982A>G (p.Thr1328Ala)

Gene: BDP1 (BDP1 general transcription factor IIIB subunit; plus strand). Cytogenetic location: 5q13.2.
Variant type: single nucleotide variant.
Coding change: c.3982A>G on transcript NM_018429.3 (MANE Select); coding-DNA position 3982, A replaced by G.
Protein change: p.Thr1328Ala; replaces threonine 1328 with alanine.
Molecular consequence: missense variant.
Genome position (GRCh38, 1-based): chr5:71,511,074, A>G. VCF-style: chr5-71511074-A-G. GRCh37 (hg19) VCF-style: chr5-70806901-A-G.
Other names: short protein forms T1328A.
Identifiers: ClinVar variation 3765715 (VCV003765715.1).

ClinVar aggregate classification (germline): Uncertain significance (1 of 4 stars; one submission).

Submission:

Greenwood Genetic Center Diagnostic Laboratories, Greenwood Genetic Center
Classification: Uncertain significance. Last evaluated: 2024-10-18. Review status: criteria provided, single submitter. Criteria: ACMG Guidelines, 2015. Collection method: clinical testing. Allele origin: germline. Affected: yes.
Comment: Gene of Uncertain Significance